The following is an entry in ClinVar:

NM_001830.4(CLCN4):c.406T>A (p.Ser136Thr)

Gene: CLCN4 (chloride voltage-gated channel 4; plus strand). Cytogenetic location: Xp22.2.
Variant type: single nucleotide variant.
Coding change: c.406T>A on transcript NM_001830.4 (MANE Select); coding-DNA position 406, T replaced by A.
Protein change: p.Ser136Thr; replaces serine 136 with threonine.
Molecular consequence: missense variant.
Genome position (GRCh38, 1-based): chrX:10,195,072, T>A. VCF-style: chrX-10195072-T-A. GRCh37 (hg19) VCF-style: chrX-10163112-T-A.
Other names: c.124T>A, p.Ser42Thr (NM_001256944.2); short protein forms S136T, S42T.
Identifiers: ClinVar variation 3600661 (VCV003600661.1).
Genomic context (GRCh38, chrX:10,195,072, plus strand): 5'-TGGACTTCTAACGAGACCACTTTTGAGGACAGAGACAAGTGTCCCCTGTGGCAGAAATGG[T>A]CGGAGCTGCTGGTGAATCAGTCAGAGGTGGGTATTTGGGCAGGGTCCTGGCTGGGGACCC-3'
Protein context (NP_001821.2, residues 126-146): RDKCPLWQKW[Ser136Thr]ELLVNQSEGA

ClinVar aggregate classification (germline): Uncertain significance (1 of 4 stars; one submission).

Submission:

GeneDx
Classification: Uncertain significance. Last evaluated: 2024-07-24. Review status: criteria provided, single submitter. Criteria: GeneDx Variant Classification Process June 2021. Collection method: clinical testing. Allele origin: germline. Affected: yes.
Comment: Not observed at significant frequency in large population cohorts (gnomAD); In silico analysis indicates that this missense variant does not alter protein structure/function; Has not been previously published as pathogenic or benign to our knowledge